The following is an entry in ClinVar:

NM_139058.3(ARX):c.1497G>T (p.Ala499=)

Gene: ARX (aristaless related homeobox; minus strand). Cytogenetic location: Xp21.3.
Variant type: single nucleotide variant.
Coding change: c.1497G>T on transcript NM_139058.3 (MANE Select); coding-DNA position 1497, G replaced by T.
Protein change: p.Ala499=; no amino-acid change (alanine 499 retained).
Molecular consequence: synonymous variant.
Genome position (GRCh38, 1-based): chrX:25,004,862, C>A on the plus strand (G>T on the coding strand, the complement: ARX is on the minus strand). VCF-style: chrX-25004862-C-A. GRCh37 (hg19) VCF-style: chrX-25022979-C-A.
Other names: c.1497G>T (NM_139058.2).
Identifiers: ClinVar variation 1615126 (VCV001615126.39), dbSNP rs770318189, ClinGen allele CA10373774.
Genomic context (GRCh38, chrX:25,004,862, plus strand): 5'-GTCGGCCAGGGCGCCCGATGCCACTGCGCCCTCCACGGCGGGTGTGGGCTGTCTCAGGAG[C>A]GCGGCCGCGGTCGACGCGCTGGTCAGGGGGGCCATTGTGGAAAAGAGCCTGCAGGGAGAG-3'
Protein context (NP_620689.1, residues 489-509): APLTSASTAA[Ala499=]LLRQPTPAVE

ClinVar aggregate classification (germline): Likely benign. Review status: criteria provided, multiple submitters, no conflicts (2 of 4 stars). 3 submissions from 3 submitters: Likely benign (2). 1 of the submissions does not count toward it. Last evaluated 2025-08-22.

Conditions:
ARX-related disorder. Also called: ARX-Related Disorders; ARX-related condition. Identifiers: MedGen CN378769.
Intellectual disability, X-linked, with or without seizures, ARX-related. Also called: MENTAL RETARDATION, X-LINKED 29; MENTAL RETARDATION, X-LINKED 32; MENTAL RETARDATION, X-LINKED 33; MENTAL RETARDATION, X-LINKED 38; MENTAL RETARDATION, X-LINKED 43; MENTAL RETARDATION, X-LINKED 76. Identifiers: Orphanet 777, MedGen C0796244, MONDO:0010317, OMIM 300419.
Developmental and epileptic encephalopathy, 1 (DEE1). Also called: Epileptic encephalopathy, early infantile, 1; INFANTILE SPASM SYNDROME, X-LINKED 1; X-linked infantile spasms; West's syndrome; Tonic spasms with clustering, arrest of psychomotor development and hypsarrhythmia on EEG; X-Linked Infantile Spasm Syndrome. Identifiers: MedGen C3463992, MONDO:0010632, OMIM 308350. Disease mechanism: loss of function.

Allele frequency attached by ClinVar (database versions not stated): ExAC 0.00005.
gnomAD v4.1: 8 of 1,147,534 alleles (0.0007%); highest among the groups gnomAD compares: Non-Finnish European, 0.00092%; no homozygotes.

Submissions (3):

Labcorp Genetics (formerly Invitae), Labcorp
Classification: Likely benign for Developmental and epileptic encephalopathy, 1; Intellectual disability, X-linked, with or without seizures, ARX-related. Last evaluated: 2025-08-22. Review status: criteria provided, single submitter. Criteria: Invitae Variant Classification Sherloc (09022015). Collection method: clinical testing. Allele origin: germline.

CeGaT Center for Human Genetics Tuebingen
Classification: Likely benign. Last evaluated: 2022-03-01. Review status: criteria provided, single submitter. Criteria: CeGaT Center For Human Genetics Tuebingen Variant Classification Criteria Version 2. Collection method: clinical testing. Allele origin: germline. Affected: yes. Observed: 1 variant allele.
Comment: ARX: BP4, BP7

PreventionGenetics, part of Exact Sciences
Classification: Likely benign for ARX-related condition. Last evaluated: 2024-05-13. Review status: no assertion criteria provided. Collection method: clinical testing. Allele origin: germline. Not counted in ClinVar's aggregate classification.
Comment: This variant is classified as likely benign based on ACMG/AMP sequence variant interpretation guidelines (Richards et al. 2015 PMID: 25741868, with internal and published modifications).